The following is an entry in ClinVar:

ClinVar aggregate classification (germline): Uncertain significance (1 of 4 stars; one submission).

Submission:

GeneDx
Classification: Uncertain significance. Last evaluated: 2025-05-28. Review status: criteria provided, single submitter. Criteria: GeneDx Variant Classification Process June 2021. Collection method: clinical testing. Allele origin: germline. Affected: yes.
Comment: Not observed at significant frequency in large population cohorts (gnomAD); In silico analysis supports that this missense variant has a deleterious effect on protein structure/function; Has not been previously published as pathogenic or benign to our knowledge

NM_001039591.3(USP9X):c.2129A>G (p.Asp710Gly)

Gene: USP9X (ubiquitin specific peptidase 9 X-linked; plus strand). Cytogenetic location: Xp11.4.
Variant type: single nucleotide variant.
Coding change: c.2129A>G on transcript NM_001039591.3 (MANE Select); coding-DNA position 2129, A replaced by G.
Protein change: p.Asp710Gly; replaces aspartic acid 710 with glycine.
Molecular consequence: missense variant.
Genome position (GRCh38, 1-based): chrX:41,166,015, A>G. VCF-style: chrX-41166015-A-G. GRCh37 (hg19) VCF-style: chrX-41025268-A-G.
Other names: c.2129A>G, p.Asp710Gly (NM_001039590.3); c.2144A>G, p.Asp715Gly (NM_001410748.1, NM_001410749.1, NM_001437534.1); short protein forms D710G, D715G.
Identifiers: ClinVar variation 4532626 (VCV004532626.1).